The following is an entry in ClinVar:

ClinVar aggregate classification (germline): Benign/Likely benign. Review status: criteria provided, multiple submitters, no conflicts (2 of 4 stars). 3 submissions from 3 submitters: Benign (1); Likely benign (1). 1 of the submissions does not count toward it. Last evaluated 2024-10-22.

Conditions:
RPGRIP1L-related disorder. Also called: RPGRIP1L-related condition; RPGRIP1L-related disorders. Identifiers: MedGen CN239416.
Meckel-Gruber syndrome. Also called: DYSENCEPHALIA SPLANCHNOCYSTICA; GRUBER SYNDROME; Dysencephalia splachnocystica. Identifiers: Orphanet 564, MedGen C0265215, MONDO:0018921.
Joubert syndrome. Also called: JOUBERT-BOLTSHAUSER SYNDROME; Familial aplasia of the vermis. Identifiers: Orphanet 475, MedGen C5979921, MONDO:0018772.

Allele frequency attached by ClinVar (database versions not stated): gnomAD exomes below 0.00001 and 0.00002; ExAC 0.00002; TOPMed 0.00003; gnomAD 0.00005; ESP Exome Variant Server 0.00015.
gnomAD v4.1: 15 of 1,614,150 alleles (0.00093%); highest among the groups gnomAD compares: African/African-American, 0.013%; no homozygotes.

Submissions (3):

Labcorp Genetics (formerly Invitae), Labcorp
Classification: Likely benign for Joubert syndrome; Meckel-Gruber syndrome. Last evaluated: 2024-10-22. Review status: criteria provided, single submitter. Criteria: Invitae Variant Classification Sherloc (09022015). Collection method: clinical testing. Allele origin: germline.

Eurofins Ntd Llc (ga)
Classification: Benign. Last evaluated: 2015-02-19. Review status: criteria provided, single submitter. Criteria: EGL Classification Definitions 2015. Collection method: clinical testing. Allele origin: germline. Observed: 1 variant allele, 1 heterozygote.

PreventionGenetics, part of Exact Sciences
Classification: Likely benign for RPGRIP1L-related condition. Last evaluated: 2022-08-24. Review status: no assertion criteria provided. Collection method: clinical testing. Allele origin: germline. Not counted in ClinVar's aggregate classification.
Comment: This variant is classified as likely benign based on ACMG/AMP sequence variant interpretation guidelines (Richards et al. 2015 PMID: 25741868, with internal and published modifications).

NM_015272.5(RPGRIP1L):c.255A>G (p.Leu85=)

Gene: RPGRIP1L (RPGRIP1 like; minus strand). Cytogenetic location: 16q12.2.
Variant type: single nucleotide variant.
Coding change: c.255A>G on transcript NM_015272.5 (MANE Select); coding-DNA position 255, A replaced by G.
Protein change: p.Leu85=; no amino-acid change (leucine 85 retained).
Molecular consequence: synonymous variant.
Genome position (GRCh38, 1-based): chr16:53,692,340, T>C on the plus strand (A>G on the coding strand, the complement: RPGRIP1L is on the minus strand). VCF-style: chr16-53692340-T-C. GRCh37 (hg19) VCF-style: chr16-53726252-T-C.
Other names: c.255A>G, p.Leu85= (NM_001127897.4, NM_001308334.3, NM_001330538.2); c.255A>G (NM_015272.4).
Identifiers: ClinVar variation 197304 (VCV000197304.17), dbSNP rs143189638, ClinGen allele CA202807.